The following is an entry in ClinVar:

ClinVar aggregate classification (germline): Uncertain significance. Review status: criteria provided, multiple submitters, no conflicts (2 of 4 stars). 2 submissions from 2 submitters: Uncertain significance (2). Last evaluated 2021-06-11.

Conditions:
Diamond-Blackfan anemia. Also called: Aase syndrome; Blackfan Diamond syndrome; Aregenerative anemia chronic congenital; Red cell aplasia, pure hereditary; Congenital hypoplastic anemia. Identifiers: Orphanet 124, MedGen C1260899, MeSH D029503, MONDO:0015253, HP:0004810.

Allele frequency attached by ClinVar (database versions not stated): gnomAD exomes 0.00001 and below 0.00001; ExAC 0.00002; gnomAD 0.00002; TOPMed 0.00003.

Submissions (2):

GeneDx
Classification: Uncertain significance. Last evaluated: 2021-06-11. Review status: criteria provided, single submitter. Criteria: GeneDx Variant Classification Process June 2021. Collection method: clinical testing. Allele origin: germline. Affected: yes.
Comment: In silico analysis supports that this missense variant does not alter protein structure/function; Has not been previously published as pathogenic or benign to our knowledge

Labcorp Genetics (formerly Invitae), Labcorp
Classification: Uncertain significance for Diamond-Blackfan anemia. Last evaluated: 2020-02-06. Review status: criteria provided, single submitter. Criteria: Invitae Variant Classification Sherloc (09022015). Collection method: clinical testing. Allele origin: germline.
Comment: This sequence change replaces leucine with valine at codon 28 of the RPS24 protein (p.Leu28Val). The leucine residue is highly conserved and there is a small physicochemical difference between leucine and valine. In summary, the available evidence is currently insufficient to determine the role of this variant in disease. Therefore, it has been classified as a Variant of Uncertain Significance. Algorithms developed to predict the effect of missense changes on protein structure and function are either unavailable or do not agree on the potential impact of this missense change (SIFT: "Deleterious"; PolyPhen-2: "Benign"; Align-GVGD: "Class C15"). This variant has not been reported in the literature in individuals with RPS24-related conditions. This variant is present in population databases (rs775383590, ExAC 0.02%).

NM_033022.4(RPS24):c.82C>G (p.Leu28Val)

Gene: RPS24 (ribosomal protein S24; plus strand). Cytogenetic location: 10q22.3.
Variant type: single nucleotide variant.
Coding change: c.82C>G on transcript NM_033022.4 (MANE Select); coding-DNA position 82, C replaced by G.
Protein change: p.Leu28Val; replaces leucine 28 with valine.
Molecular consequence: missense variant.
Genome position (GRCh38, 1-based): chr10:78,035,523, C>G. VCF-style: chr10-78035523-C-G. GRCh37 (hg19) VCF-style: chr10-79795281-C-G.
Other names: c.82C>G, p.Leu28Val (NM_001026.5, NM_001142282.2, NM_001142283.2 and 2 more transcripts); short protein forms L28V.
Identifiers: ClinVar variation 1024399 (VCV001024399.11), dbSNP rs775383590, ClinGen allele CA5571948.